The following is an entry in ClinVar:

ClinVar aggregate classification (germline): Uncertain significance (1 of 4 stars; one submission).

Conditions:
Inborn genetic diseases. Identifiers: MedGen C0950123, MeSH D030342.

Submission:

Ambry Genetics
Classification: Uncertain significance for Inborn genetic diseases. Last evaluated: 2021-07-23. Review status: criteria provided, single submitter. Criteria: Ambry Variant Classification Scheme 2023. Collection method: clinical testing. Allele origin: germline.
Comment: The p.A464P variant (also known as c.1390G>C), located in coding exon 10 of the EPAS1 gene, results from a G to C substitution at nucleotide position 1390. The alanine at codon 464 is replaced by proline, an amino acid with highly similar properties. This amino acid position is conserved. In addition, this alteration is predicted to be tolerated by in silico analysis. Since supporting evidence is limited at this time, the clinical significance of this alteration remains unclear.

NM_001430.5(EPAS1):c.1390G>C (p.Ala464Pro)

Gene: EPAS1 (endothelial PAS domain protein 1; plus strand). Cytogenetic location: 2p21.
Variant type: single nucleotide variant.
Coding change: c.1390G>C on transcript NM_001430.5 (MANE Select); coding-DNA position 1390, G replaced by C.
Protein change: p.Ala464Pro; replaces alanine 464 with proline.
Molecular consequence: missense variant.
Genome position (GRCh38, 1-based): chr2:46,378,034, G>C. VCF-style: chr2-46378034-G-C. GRCh37 (hg19) VCF-style: chr2-46605173-G-C.
Other names: short protein forms A464P.
Identifiers: ClinVar variation 1771547 (VCV001771547.2), dbSNP rs1331725792, ClinGen allele CA346703981.